The following is an entry in ClinVar:

NM_001365536.1(SCN9A):c.117G>T (p.Lys39Asn)

Gene: SCN9A (sodium voltage-gated channel alpha subunit 9; minus strand). Cytogenetic location: 2q24.3.
Variant type: single nucleotide variant.
Coding change: c.117G>T on transcript NM_001365536.1 (MANE Select); coding-DNA position 117, G replaced by T.
Protein change: p.Lys39Asn; replaces lysine 39 with asparagine.
Molecular consequence: missense variant.
Genome position (GRCh38, 1-based): chr2:166,311,640, C>A on the plus strand (G>T on the coding strand, the complement: SCN9A is on the minus strand). VCF-style: chr2-166311640-C-A. GRCh37 (hg19) VCF-style: chr2-167168150-C-A.
Other names: c.117G>T, p.Lys39Asn (NM_002977.4); short protein forms K39N.
Identifiers: ClinVar variation 657258 (VCV000657258.9), dbSNP rs1574913597, ClinGen allele CA349096070.
Genomic context (GRCh38, chr2:166,311,640, plus strand): 5'-CAGCTGTTTGCCAGCTTCCAAGTCACTGCTTGGCTTTGGGGCTTCTTCATCATCATCTTT[C>A]TTTTCTTCTTTGGGTTCCTTTGATTTTCTTTCAGCAATGCGTTGTTCAATGAGGGCAAGA-3'
Protein context (NP_001352465.1, residues 29-49): ERKSKEPKEE[Lys39Asn]KDDDEEAPKP

ClinVar aggregate classification (germline): Uncertain significance (1 of 4 stars; one submission).

Conditions:
Neuropathy, hereditary sensory and autonomic, type 2A (HSAN2A). Also called: HSAN IIA; MORVAN DISEASE; NEUROPATHY, CONGENITAL SENSORY; NEUROPATHY, HEREDITARY SENSORY RADICULAR, AUTOSOMAL RECESSIVE; NEUROPATHY, HEREDITARY SENSORY, TYPE IIA; NEUROPATHY, PROGRESSIVE SENSORY, OF CHILDREN. Identifiers: Orphanet 970, MedGen C2752089, MONDO:0024309, OMIM 201300.
Generalized epilepsy with febrile seizures plus, type 7 (GEFSP7). Also called: GEFS+, TYPE 7. Identifiers: Orphanet 36387, MedGen C2751778, MONDO:0013470, OMIM 613863.

Allele frequency attached by ClinVar (database versions not stated): gnomAD exomes below 0.00001.
gnomAD v4.1: 3 of 1,613,342 alleles (0.00019%); highest among the groups gnomAD compares: Non-Finnish European, 0.00025%; no homozygotes.

Submission:

Labcorp Genetics (formerly Invitae), Labcorp
Classification: Uncertain significance for Neuropathy, hereditary sensory and autonomic, type 2A; Generalized epilepsy with febrile seizures plus, type 7. Last evaluated: 2024-07-31. Review status: criteria provided, single submitter. Criteria: Invitae Variant Classification Sherloc (09022015). Collection method: clinical testing. Allele origin: germline.
Comment: This sequence change replaces lysine, which is basic and polar, with asparagine, which is neutral and polar, at codon 39 of the SCN9A protein (p.Lys39Asn). This variant is not present in population databases (gnomAD no frequency). This variant has not been reported in the literature in individuals affected with SCN9A-related conditions. ClinVar contains an entry for this variant (Variation ID: 657258). Advanced modeling of protein sequence and biophysical properties (such as structural, functional, and spatial information, amino acid conservation, physicochemical variation, residue mobility, and thermodynamic stability) has been performed at Invitae for this missense variant, however the output from this modeling did not meet the statistical confidence thresholds required to predict the impact of this variant on SCN9A protein function. In summary, the available evidence is currently insufficient to determine the role of this variant in disease. Therefore, it has been classified as a Variant of Uncertain Significance.